The following is an entry in ClinVar:

ClinVar aggregate classification (germline): Benign (0 of 4 stars; one submission).

Conditions:
CSMD1-related disorder. Also called: CSMD1-related condition.

Allele frequency attached by ClinVar (database versions not stated): gnomAD 0.05632; ESP Exome Variant Server 0.05936; 1000 Genomes Project 0.06050; TOPMed 0.06213; 1000 Genomes Project 30x 0.06449.
gnomAD v4.1: 37,804 of 1,600,802 alleles (2.4%); highest among the groups gnomAD compares: African/African-American, 16%; 1,292 homozygotes.

Submission:

PreventionGenetics, part of Exact Sciences
Classification: Benign for CSMD1-related condition. Last evaluated: 2019-03-05. Review status: no assertion criteria provided. Collection method: clinical testing. Allele origin: germline.
Comment: This variant is classified as benign based on ACMG/AMP sequence variant interpretation guidelines (Richards et al. 2015 PMID: 25741868, with internal and published modifications).

NM_033225.6(CSMD1):c.10433G>A (p.Ser3478Asn)

Genes: CSMD1 (CUB and Sushi multiple domains 1; minus strand), LOC105377785 (uncharacterized LOC105377785; plus strand). Cytogenetic location: 8p23.2.
Variant type: single nucleotide variant.
Coding change: c.10433G>A on transcript NM_033225.6 (MANE Select); coding-DNA position 10433, G replaced by A.
Protein change: p.Ser3478Asn; replaces serine 3478 with asparagine.
Molecular consequence: missense variant.
Genome position (GRCh38, 1-based): chr8:2,942,574, C>T on the plus strand (G>A on the coding strand, the complement: CSMD1 is on the minus strand). VCF-style: chr8-2942574-C-T. GRCh37 (hg19) VCF-style: chr8-2800096-C-T.
Other names: short protein forms S3478N.
Identifiers: ClinVar variation 3038258 (VCV003038258.2), dbSNP rs11984691, ClinGen allele CA4604736.